The following is an entry in ClinVar:

ClinVar aggregate classification (germline): Uncertain significance. Review status: criteria provided, multiple submitters, no conflicts (2 of 4 stars). 2 submissions from 2 submitters: Uncertain significance (2). Last evaluated 2024-01-01.

Allele frequency attached by ClinVar (database versions not stated): gnomAD exomes 0.00004; TOPMed 0.00006; gnomAD 0.00007; 1000 Genomes Project 30x 0.00047.
gnomAD v4.1: 55 of 1,233,148 alleles (0.0045%); highest among the groups gnomAD compares: Middle Eastern, 0.028%; no homozygotes.

Submissions (2):

CeGaT Center for Human Genetics Tuebingen
Classification: Uncertain significance. Last evaluated: 2024-01-01. Review status: criteria provided, single submitter. Criteria: CeGaT Center For Human Genetics Tuebingen Variant Classification Criteria Version 2. Collection method: clinical testing. Allele origin: germline. Affected: yes. Observed: 1 variant allele.

Labcorp Genetics (formerly Invitae), Labcorp
Classification: Uncertain significance. Last evaluated: 2022-10-13. Review status: criteria provided, single submitter. Criteria: Invitae Variant Classification Sherloc (09022015). Collection method: clinical testing. Allele origin: germline.
Comment: This sequence change replaces arginine, which is basic and polar, with histidine, which is basic and polar, at codon 16 of the CNNM4 protein (p.Arg16His). The frequency data for this variant in the population databases is considered unreliable, as metrics indicate poor data quality at this position in the gnomAD database. This variant has not been reported in the literature in individuals affected with CNNM4-related conditions. ClinVar contains an entry for this variant (Variation ID: 957264). Algorithms developed to predict the effect of missense changes on protein structure and function are either unavailable or do not agree on the potential impact of this missense change (SIFT: "Tolerated"; PolyPhen-2: "Not Available"; Align-GVGD: "Class C0"). In summary, the available evidence is currently insufficient to determine the role of this variant in disease. Therefore, it has been classified as a Variant of Uncertain Significance.

NM_020184.4(CNNM4):c.47G>A (p.Arg16His)

Gene: CNNM4 (cyclin and CBS domain divalent metal cation transport mediator 4; plus strand). Cytogenetic location: 2q11.2.
Variant type: single nucleotide variant.
Coding change: c.47G>A on transcript NM_020184.4 (MANE Select); coding-DNA position 47, G replaced by A.
Protein change: p.Arg16His; replaces arginine 16 with histidine.
Molecular consequence: missense variant.
Genome position (GRCh38, 1-based): chr2:96,761,046, G>A. VCF-style: chr2-96761046-G-A. GRCh37 (hg19) VCF-style: chr2-97426783-G-A.
Other names: short protein forms R16H.
Identifiers: ClinVar variation 957264 (VCV000957264.27), dbSNP rs1366713398, ClinGen allele CA347710525.
Genomic context (GRCh38, chr2:96,761,046, plus strand): 5'-AGAGCCAGAGCAACATGGCGCCGGTGGGCGGGGGCGGGCGCCCGGTCGGCGGACCGGCCC[G>A]CGGGCGCCTCCTCCTGGCGGCGCCGGTGCTGCTGGTGCTGCTGTGGGCGCTGGGGGCCCG-3'
Protein context (NP_064569.3, residues 6-26): GGGRPVGGPA[Arg16His]GRLLLAAPVL